The following is an entry in ClinVar:

NM_198994.3(TGM6):c.1198A>G (p.Ile400Val)

Gene: TGM6 (transglutaminase 6; plus strand). Cytogenetic location: 20p13.
Variant type: single nucleotide variant.
Coding change: c.1198A>G on transcript NM_198994.3 (MANE Select); coding-DNA position 1198, A replaced by G.
Protein change: p.Ile400Val; replaces isoleucine 400 with valine.
Molecular consequence: missense variant.
Genome position (GRCh38, 1-based): chr20:2,403,685, A>G. VCF-style: chr20-2403685-A-G. GRCh37 (hg19) VCF-style: chr20-2384331-A-G.
Other names: c.1198A>G, p.Ile400Val (NM_001254734.2); short protein forms I400V.
Identifiers: ClinVar variation 897278 (VCV000897278.5), dbSNP rs552530897, ClinGen allele CA9732011.
Genomic context (GRCh38, chr20:2,403,685, plus strand): 5'-GGTGATGTGCACCTGGCTCACGATGGCCCCTTCGTGTTTGCGGAGGTCAACGCCGACTAC[A>G]TCACCTGGCTGTGGCACGAGGATGAGAGCCGGGAGCGTGTATACTCAAACACGAAGAAGA-3'
Protein context (NP_945345.2, residues 390-410): FVFAEVNADY[Ile400Val]TWLWHEDESR

ClinVar aggregate classification (germline): Benign. Review status: criteria provided, multiple submitters, no conflicts (2 of 4 stars). 2 submissions from 2 submitters: Benign (2). Last evaluated 2021-02-03.

Conditions:
Spinocerebellar ataxia type 35. Identifiers: Orphanet 276193, MedGen C3888031, MONDO:0013485, OMIM 613908.

Allele frequency attached by ClinVar (database versions not stated): gnomAD below 0.00001 and 0.00011; TOPMed 0.00002; gnomAD exomes 0.00016 and 0.00034; ExAC 0.00038; 1000 Genomes Project 0.00060; 1000 Genomes Project 30x 0.00078.
gnomAD v4.1: 253 of 1,614,136 alleles (0.016%); highest among the groups gnomAD compares: South Asian, 0.26%; 3 homozygotes.

Submissions (2):

Athena Diagnostics
Classification: Benign. Last evaluated: 2021-02-03. Review status: criteria provided, single submitter. Criteria: Athena Diagnostics criteria. Collection method: clinical testing. Allele origin: unknown.

Illumina Laboratory Services, Illumina
Classification: Benign for Spinocerebellar ataxia type 35. Last evaluated: 2018-01-13. Review status: criteria provided, single submitter. Criteria: ICSL Variant Classification Criteria 13 December 2019. Collection method: clinical testing. Allele origin: germline.
Comment: This variant was observed in the ICSL laboratory as part of a predisposition screen in an ostensibly healthy population. It had not been previously curated by ICSL or reported in the Human Gene Mutation Database (HGMD: prior to June 1st, 2018), and was therefore a candidate for classification through an automated scoring system. Utilizing variant allele frequency, disease prevalence and penetrance estimates, and inheritance mode, an automated score was calculated to assess if this variant is too frequent to cause the disease. Based on the score and internal cut-off values, a variant classified as benign is not then subjected to further curation. The score for this variant resulted in a classification of benign for this disease.